The following is an entry in ClinVar:

ClinVar aggregate classification (germline): Likely pathogenic (1 of 4 stars; one submission).

Conditions:
Dopa-responsive dystonia due to sepiapterin reductase deficiency. Also called: DYT-SPR; SPR DEFICIENCY; Sepiapterin reductase deficiency. Identifiers: Orphanet 70594, MedGen C0268468, MONDO:0012994, OMIM 612716.

Submission:

Breakthrough Genomics
Classification: Likely pathogenic for Dopa-responsive dystonia due to sepiapterin reductase deficiency. Last evaluated: 2021-05-30. Review status: criteria provided, single submitter. Criteria: ACMG Guidelines, 2015. Collection method: clinical testing. Allele origin: germline. Affected: yes.
Comment: This variant is predicted to cause a frameshift and consequent premature termination of the protein (p.Ala15ProfsTer100) and the resultant protein will likely to lack substrate binding domain[Uniprot] of the protein; this will likely result in loss-of-function. Due to the introduction of a premature stop codon, this aberrant transcript will likely be targeted by the nonsense-mediated mRNA decay (NMD) mechanism [PMID: 15040442]. The variant has not been previously reported in the public databases or in the literature. However, in the ClinVar database, several other truncating variants lying downstream of the identified variant, has been previously reported as likely pathogenic/pathogenic in the context of dopa-responsive dystonia due to sepiapterin reductase deficiency.

NM_003124.5(SPR):c.43del (p.Ala15fs)

Genes: SPR (sepiapterin reductase; plus strand), LOC129934069 (ATAC-STARR-seq lymphoblastoid silent region 11626; plus strand). Cytogenetic location: 2p13.2.
Variant type: Deletion.
Coding change: c.43del on transcript NM_003124.5 (MANE Select); coding-DNA position 43, one base deleted (G; older notation c.43delG).
Protein change: p.Ala15fs; shifts the reading frame from alanine 15.
Molecular consequence: frameshift variant.
Genome position (GRCh38, 1-based): chr2:72,887,475, G deleted; the last of 4 consecutive G bases (chr2:72,887,472-72,887,475); deleting any one gives the same sequence. VCF-style (leftmost placement, unchanged base first): chr2-72887471-CG-C. GRCh37 (hg19) VCF-style: chr2-73114600-CG-C.
Other names: p.Ala15ProfsTer100; c.43delG (NM_003124.5); short protein forms A15fs.
Identifiers: ClinVar variation 3255615 (VCV003255615.2).
Genomic context (GRCh38, chr2:72,887,471, plus strand): 5'-GCCGCCGGCGGAGAACAGGAGCATGGAGGGCGGGCTGGGGCGTGCTGTGTGCTTGCTGAC[CG>C]GGGCCTCCCGCGGCTTCGGCCGGACGCTGGCCCCGCTCCTGGCCTCGCTGCTGTCGCCCG-3'